The following is an entry in ClinVar:

ClinVar aggregate classification (germline): Uncertain significance. Review status: criteria provided, multiple submitters, no conflicts (2 of 4 stars). 5 submissions from 5 submitters: Uncertain significance (5). Last evaluated 2025-10-22.

Conditions:
Fraser syndrome 2 (FRASRS2). Identifiers: MedGen C4540036, MONDO:0054738, OMIM 617666.
Isolated cryptophthalmia. Also called: Cryptophthalmos, unilateral or bilateral, isolated; ANKYLOBLEPHARON, SIMPLE. Identifiers: Orphanet 91396, MedGen C1852453, MONDO:0007410, OMIM 123570.
Inborn genetic diseases. Identifiers: MedGen C0950123, MeSH D030342.

Allele frequency attached by ClinVar (database versions not stated): 1000 Genomes Project 30x 0.00016.
gnomAD v4.1: 38 of 1,613,964 alleles (0.0024%); highest among the groups gnomAD compares: African/African-American, 0.045%; no homozygotes.

Submissions (5):

Ambry Genetics
Classification: Uncertain significance for Inborn genetic diseases. Last evaluated: 2025-10-22. Review status: criteria provided, single submitter. Criteria: Ambry Variant Classification Scheme 2023. Collection method: clinical testing. Allele origin: germline.

Fulgent Genetics
Classification: Uncertain significance for Isolated cryptophthalmia; Fraser syndrome 2. Last evaluated: 2024-05-10. Review status: criteria provided, single submitter. Criteria: ACMG Guidelines, 2015. Collection method: clinical testing. Allele origin: germline.

GeneDx
Classification: Uncertain significance. Last evaluated: 2023-12-11. Review status: criteria provided, single submitter. Criteria: GeneDx Variant Classification Process June 2021. Collection method: clinical testing. Allele origin: germline. Affected: yes.
Comment: In silico analysis supports that this missense variant does not alter protein structure/function; Has not been previously published as pathogenic or benign to our knowledge

Labcorp Genetics (formerly Invitae), Labcorp
Classification: Uncertain significance. Last evaluated: 2021-10-21. Review status: criteria provided, single submitter. Criteria: Invitae Variant Classification Sherloc (09022015). Collection method: clinical testing. Allele origin: germline.
Comment: This sequence change replaces valine, a(n) neutral and non-polar amino acid, with leucine, a(n) neutral and non-polar amino acid, at codon 770 of the FREM2 protein (p.Val770Leu). This variant is present in population databases (rs7327915, gnomAD 0.03%). This variant has not been reported in the literature in individuals affected with FREM2-related conditions. ClinVar contains an entry for this variant (Variation ID: 882592). Algorithms developed to predict the effect of missense changes on protein structure and function (SIFT, PolyPhen-2, Align-GVGD) all suggest that this variant is likely to be tolerated. In summary, the available evidence is currently insufficient to determine the role of this variant in disease. Therefore, it has been classified as a Variant of Uncertain Significance.

Illumina Laboratory Services, Illumina
Classification: Uncertain significance for Fraser syndrome 2. Last evaluated: 2018-01-13. Review status: criteria provided, single submitter. Criteria: ICSL Variant Classification Criteria 13 December 2019. Collection method: clinical testing. Allele origin: germline.

NM_207361.6(FREM2):c.2308G>T (p.Val770Leu)

Gene: FREM2 (FRAS1 related extracellular matrix 2; plus strand). Cytogenetic location: 13q13.3.
Variant type: single nucleotide variant.
Coding change: c.2308G>T on transcript NM_207361.6 (MANE Select); coding-DNA position 2308, G replaced by T.
Protein change: p.Val770Leu; replaces valine 770 with leucine.
Molecular consequence: missense variant.
Genome position (GRCh38, 1-based): chr13:38,689,652, G>T. VCF-style: chr13-38689652-G-T. GRCh37 (hg19) VCF-style: chr13-39263789-G-T.
Other names: short protein forms V770L.
Identifiers: ClinVar variation 882592 (VCV000882592.12), dbSNP rs7327915, ClinGen allele CA6954590.